The following is an entry in ClinVar:

NM_198239.2(CCN6):c.43G>A (p.Ala15Thr)

Gene: CCN6 (cellular communication network factor 6; plus strand). Cytogenetic location: 6q21.
Variant type: single nucleotide variant.
Coding change: c.43G>A on transcript NM_198239.2 (MANE Select); coding-DNA position 43, G replaced by A.
Protein change: p.Ala15Thr; replaces alanine 15 with threonine.
Molecular consequence: missense variant. On other transcripts: non-coding transcript variant (2).
Genome position (GRCh38, 1-based): chr6:112,054,400, G>A. VCF-style: chr6-112054400-G-A. GRCh37 (hg19) VCF-style: chr6-112375603-G-A.
Other names: c.43G>A, p.Ala15Thr (NM_003880.4); c.43G>A (NM_003880.3); short protein forms A15T.
Identifiers: ClinVar variation 1018220 (VCV001018220.6), dbSNP rs782423661, ClinGen allele CA3963846.

ClinVar aggregate classification (germline): Uncertain significance. Review status: criteria provided, multiple submitters, no conflicts (2 of 4 stars). 2 submissions from 2 submitters: Uncertain significance (2). Last evaluated 2024-03-28.

Conditions:
Inborn genetic diseases. Identifiers: MedGen C0950123, MeSH D030342.

Allele frequency attached by ClinVar (database versions not stated): gnomAD exomes below 0.00001 and 0.00001; gnomAD 0.00001; TOPMed 0.00001; ExAC 0.00002.
gnomAD v4.1: 10 of 1,612,964 alleles (0.00062%); highest among the groups gnomAD compares: Admixed American, 0.005%; no homozygotes.

Submissions (2):

Ambry Genetics
Classification: Uncertain significance for Inborn genetic diseases. Last evaluated: 2024-03-28. Review status: criteria provided, single submitter. Criteria: Ambry Variant Classification Scheme 2023. Collection method: clinical testing. Allele origin: germline.

Labcorp Genetics (formerly Invitae), Labcorp
Classification: Uncertain significance. Last evaluated: 2022-06-17. Review status: criteria provided, single submitter. Criteria: Invitae Variant Classification Sherloc (09022015). Collection method: clinical testing. Allele origin: germline.
Comment: This sequence change replaces alanine, which is neutral and non-polar, with threonine, which is neutral and polar, at codon 15 of the WISP3 protein (p.Ala15Thr). This variant is present in population databases (rs782423661, gnomAD 0.003%). This variant has not been reported in the literature in individuals affected with WISP3-related conditions. ClinVar contains an entry for this variant (Variation ID: 1018220). Algorithms developed to predict the effect of missense changes on protein structure and function output the following: SIFT: "Tolerated"; PolyPhen-2: "Benign"; Align-GVGD: "Class C0". The threonine amino acid residue is found in multiple mammalian species, which suggests that this missense change does not adversely affect protein function. In summary, the available evidence is currently insufficient to determine the role of this variant in disease. Therefore, it has been classified as a Variant of Uncertain Significance.